The following is an entry in ClinVar:

ClinVar aggregate classification (germline): Uncertain significance. Review status: criteria provided, multiple submitters, no conflicts (2 of 4 stars). 2 submissions from 2 submitters: Uncertain significance (2). Last evaluated 2023-10-03.

Conditions:
Emery-Dreifuss muscular dystrophy 5, autosomal dominant (EDMD5). Also called: EMERY-DREIFUSS MUSCULAR DYSTROPHY 5. Identifiers: Orphanet 261, MedGen C2751805, MONDO:0013072, OMIM 612999.

Allele frequency attached by ClinVar (database versions not stated): TOPMed 0.00001; ExAC 0.00002; gnomAD 0.00002; gnomAD exomes 0.00002.
gnomAD v4.1: 28 of 1,613,982 alleles (0.0017%); highest among the groups gnomAD compares: Non-Finnish European, 0.002%; no homozygotes.

Submissions (2):

Labcorp Genetics (formerly Invitae), Labcorp
Classification: Uncertain significance for Emery-Dreifuss muscular dystrophy 5, autosomal dominant. Last evaluated: 2023-10-03. Review status: criteria provided, single submitter. Criteria: Invitae Variant Classification Sherloc (09022015). Collection method: clinical testing. Allele origin: germline.
Comment: This sequence change replaces arginine, which is basic and polar, with lysine, which is basic and polar, at codon 1123 of the SYNE2 protein (p.Arg1123Lys). This variant is present in population databases (rs748431472, gnomAD 0.01%). This variant has not been reported in the literature in individuals affected with SYNE2-related conditions. ClinVar contains an entry for this variant (Variation ID: 954295). Algorithms developed to predict the effect of missense changes on protein structure and function output the following: SIFT: "Not Available"; PolyPhen-2: "Benign"; Align-GVGD: "Not Available". The lysine amino acid residue is found in multiple mammalian species, which suggests that this missense change does not adversely affect protein function. In summary, the available evidence is currently insufficient to determine the role of this variant in disease. Therefore, it has been classified as a Variant of Uncertain Significance.

Revvity Omics, Revvity
Classification: Uncertain significance for Emery-Dreifuss muscular dystrophy 5, autosomal dominant. Last evaluated: 2019-12-09. Review status: criteria provided, single submitter. Criteria: ACMG Guidelines, 2015. Collection method: clinical testing. Allele origin: germline.

NM_182914.3(SYNE2):c.3368G>A (p.Arg1123Lys)

Gene: SYNE2 (spectrin repeat containing nuclear envelope protein 2; plus strand). Cytogenetic location: 14q23.2.
Variant type: single nucleotide variant.
Coding change: c.3368G>A on transcript NM_182914.3 (MANE Select); coding-DNA position 3368, G replaced by A.
Protein change: p.Arg1123Lys; replaces arginine 1123 with lysine.
Molecular consequence: missense variant.
Genome position (GRCh38, 1-based): chr14:63,998,928, G>A. VCF-style: chr14-63998928-G-A. GRCh37 (hg19) VCF-style: chr14-64465646-G-A.
Other names: c.3368G>A, p.Arg1123Lys (NM_015180.6); short protein forms R1123K.
Identifiers: ClinVar variation 954295 (VCV000954295.12), dbSNP rs748431472, ClinGen allele CA7219952.